The following is an entry in ClinVar:

NM_004260.4(RECQL4):c.2058+5G>A

Gene: RECQL4 (RecQ like helicase 4; minus strand). Cytogenetic location: 8q24.3.
Variant type: single nucleotide variant.
Coding change: c.2058+5G>A on transcript NM_004260.4 (MANE Select); 5 bases into the intron after coding-DNA position 2058, G replaced by A.
Molecular consequence: intron variant.
Genome position (GRCh38, 1-based): chr8:144,513,923, C>T on the plus strand (G>A on the coding strand, the complement: RECQL4 is on the minus strand). VCF-style: chr8-144513923-C-T. GRCh37 (hg19) VCF-style: chr8-145739307-C-T.
Identifiers: ClinVar variation 651998 (VCV000651998.5), dbSNP rs1041802349, ClinGen allele CA187684299.
Genomic context (GRCh38, chr8:144,513,923, plus strand): 5'-GGAGGGGTCGGCGTGGGCAGTCAGCAGCCAGGGCCCTGCAGGGTCCCCAGAGCACACACA[C>T]CCACCTGGTCTGTGTCCCTGTCCATGGACACGGAAAGGTGCAGGTTGGTGGGAACTGGGG-3'

ClinVar aggregate classification (germline): Uncertain significance (1 of 4 stars; one submission).

Conditions:
Baller-Gerold syndrome (BGS). Also called: CRANIOSYNOSTOSIS WITH RADIAL DEFECTS. Identifiers: Orphanet 1225, MedGen C0265308, MONDO:0009039, OMIM 218600.

Allele frequency attached by ClinVar (database versions not stated): gnomAD exomes 0.00001; TOPMed 0.00002; gnomAD 0.00004.
gnomAD v4.1: 38 of 1,501,560 alleles (0.0025%); highest among the groups gnomAD compares: Non-Finnish European, 0.0033%; no homozygotes.

Submission:

Labcorp Genetics (formerly Invitae), Labcorp
Classification: Uncertain significance for Baller-Gerold syndrome. Last evaluated: 2023-09-09. Review status: criteria provided, single submitter. Criteria: Invitae Variant Classification Sherloc (09022015). Collection method: clinical testing. Allele origin: germline.
Comment: In summary, the available evidence is currently insufficient to determine the role of this variant in disease. Therefore, it has been classified as a Variant of Uncertain Significance. Variants that disrupt the consensus splice site are a relatively common cause of aberrant splicing (PMID: 17576681, 9536098). Algorithms developed to predict the effect of sequence changes on RNA splicing suggest that this variant may create or strengthen a splice site. ClinVar contains an entry for this variant (Variation ID: 651998). This variant has not been reported in the literature in individuals affected with RECQL4-related conditions. The frequency data for this variant in the population databases is considered unreliable, as metrics indicate poor data quality at this position in the gnomAD database. This sequence change falls in intron 12 of the RECQL4 gene. It does not directly change the encoded amino acid sequence of the RECQL4 protein. It affects a nucleotide within the consensus splice site.

Literature cited by the submitters: PubMed 17576681; PubMed 9536098.